The following is an entry in ClinVar:

NM_001429.4(EP300):c.832del (p.Thr278fs)

Gene: EP300 (EP300 lysine acetyltransferase; plus strand). Cytogenetic location: 22q13.2.
Variant type: Deletion.
Coding change: c.832del on transcript NM_001429.4 (MANE Select); coding-DNA position 832, one base deleted (A; older notation c.832delA).
Protein change: p.Thr278fs; shifts the reading frame from threonine 278.
Molecular consequence: frameshift variant.
Genome position (GRCh38, 1-based): chr22:41,125,966, A deleted; the last of 5 consecutive A bases (chr22:41,125,962-41,125,966); deleting any one gives the same sequence. VCF-style (leftmost placement, unchanged base first): chr22-41125961-CA-C. GRCh37 (hg19) VCF-style: chr22-41521965-CA-C.
Other names: c.832del, p.Thr278fs (NM_001362843.2); short protein forms T278fs.
Identifiers: ClinVar variation 947782 (VCV000947782.5), dbSNP rs2058879988, ClinGen allele CA1139667128.

ClinVar aggregate classification (germline): Pathogenic (1 of 4 stars; one submission).

Conditions:
Colorectal carcinoma. Identifiers: MedGen C0009402, MONDO:0024331.
Rubinstein-Taybi syndrome due to EP300 haploinsufficiency. Also called: EP300-Related Rubinstein-Taybi Syndrome; RUBINSTEIN-TAYBI SYNDROME 2. Identifiers: Orphanet 353284, Orphanet 783, MedGen C3150941, MONDO:0013364, OMIM 613684.

Submission:

Labcorp Genetics (formerly Invitae), Labcorp
Classification: Pathogenic for Rubinstein-Taybi syndrome due to EP300 haploinsufficiency; Colorectal carcinoma. Last evaluated: 2019-04-11. Review status: criteria provided, single submitter. Criteria: Invitae Variant Classification Sherloc (09022015). Collection method: clinical testing. Allele origin: germline.
Comment: This sequence change creates a premature translational stop signal (p.Thr278Leufs*39) in the EP300 gene. It is expected to result in an absent or disrupted protein product. This variant is not present in population databases (ExAC no frequency). This variant has not been reported in the literature in individuals with EP300-related conditions. Loss-of-function variants in EP300 are known to be pathogenic (PMID: 15706485, 24476420). For these reasons, this variant has been classified as Pathogenic.

Literature cited by the submitters: PubMed 15706485; PubMed 24476420.